The following is an entry in ClinVar:

NM_006073.4(TRDN):c.497AAAAAG[1] (p.166EK[1])

Gene: TRDN (triadin; minus strand). Cytogenetic location: 6q22.31.
Variant type: Microsatellite.
Coding change: c.497AAAAAG[1] on transcript NM_006073.4 (MANE Select); one copy of the 6-base unit AAAAAG starting at c.497; the reference has two copies in a row; one copy, 6 bases deleted; also written c.503_508del.
Protein change: p.166EK[1].
Molecular consequence: inframe deletion.
Genome position (GRCh38, 1-based): chr6:123,516,183-123,516,188, CTTTTT deleted on the plus strand (AAAAAG on the coding strand, the reverse complement: TRDN is on the minus strand); deleting any 6 consecutive bases within chr6:123,516,183-123,516,198 gives the same sequence; the position shown is the placement nearest the transcript's 3' end. VCF-style (leftmost placement, unchanged base first): chr6-123516182-CCTTTTT-C. GRCh37 (hg19) VCF-style: chr6-123837327-CCTTTTT-C.
Other names: c.503_508del (NM_006073.3, NM_006073.4); c.497AAAAAG[1], p.166EK[1] (NM_001256021.2, NM_001251987.2, NM_001256020.2); c.503_508delAAAAAG (NM_006073.4).
Identifiers: ClinVar variation 227122 (VCV000227122.38), dbSNP rs148596612, ClinGen allele CA3984350.

ClinVar aggregate classification (germline): Benign/Likely benign. Review status: criteria provided, multiple submitters, no conflicts (2 of 4 stars). 11 submissions from 11 submitters: Benign (6); Likely benign (1). 4 of the submissions do not count toward it. Last evaluated 2026-02-04.

Conditions:
TRDN-related disorder. Also called: TRDN-related condition.
Cardiovascular phenotype. Identifiers: MedGen CN230736.
Catecholaminergic polymorphic ventricular tachycardia 5 (CARDAR). Also called: Ventricular tachycardia, catecholaminergic polymorphic, 5, with or without muscle weakness; CARDIAC ARRHYTHMIA SYNDROME, WITH OR WITHOUT SKELETAL MUSCLE WEAKNESS. Identifiers: Orphanet 3286, MedGen C3809536, MONDO:0014191, OMIM 615441.
Catecholaminergic polymorphic ventricular tachycardia 1. Also called: VENTRICULAR TACHYCARDIA, STRESS-INDUCED POLYMORPHIC 1; VENTRICULAR TACHYCARDIA, CATECHOLAMINERGIC POLYMORPHIC, 1, WITH OR WITHOUT ATRIAL DYSFUNCTION AND/OR DILATED CARDIOMYOPATHY; RYR2-Related Catecholaminergic Polymorphic Ventricular Tachycardia. Identifiers: Orphanet 3286, MedGen C1631597, MONDO:0011484, OMIM 604772.

Submissions (11):

Labcorp Genetics (formerly Invitae), Labcorp
Classification: Benign for Catecholaminergic polymorphic ventricular tachycardia 1. Last evaluated: 2026-02-04. Review status: criteria provided, single submitter. Criteria: Invitae Variant Classification Sherloc (09022015). Collection method: clinical testing. Allele origin: germline.

Women's Health and Genetics/Laboratory Corporation of America, LabCorp
Classification: Likely benign. Last evaluated: 2025-05-30. Review status: criteria provided, single submitter. Criteria: LabCorp Variant Classification Summary - May 2015. Collection method: clinical testing. Allele origin: germline.

Mayo Clinic Laboratories, Mayo Clinic
Classification: Benign. Last evaluated: 2024-04-29. Review status: criteria provided, single submitter. Criteria: ACMG Guidelines, 2015. Collection method: clinical testing. Allele origin: germline. Observed: 5 variant alleles.

ARUP Laboratories, Molecular Genetics and Genomics, ARUP Laboratories
Classification: Benign for Catecholaminergic polymorphic ventricular tachycardia 5. Last evaluated: 2023-11-09. Review status: criteria provided, single submitter. Criteria: ARUP Molecular Germline Variant Investigation Process 2024. Collection method: clinical testing. Allele origin: germline.

GeneDx
Classification: Benign. Last evaluated: 2016-10-20. Review status: criteria provided, single submitter. Criteria: GeneDx Variant Classification (06012015). Collection method: clinical testing. Allele origin: germline. Affected: yes.
Comment: This variant is considered likely benign or benign based on one or more of the following criteria: it is a conservative change, it occurs at a poorly conserved position in the protein, it is predicted to be benign by multiple in silico algorithms, and/or has population frequency not consistent with disease.

Ambry Genetics
Classification: Benign for Cardiovascular phenotype. Last evaluated: 2016-02-01. Review status: criteria provided, single submitter. Criteria: Ambry Variant Classification Scheme 2023. Collection method: clinical testing. Allele origin: germline.

Laboratory for Molecular Medicine, Mass General Brigham Personalized Medicine
Classification: Benign. Last evaluated: 2015-06-09. Review status: criteria provided, single submitter. Criteria: LMM Criteria. Collection method: clinical testing. Allele origin: germline. Observed: 4 variant alleles.
Comment: p.Glu168_Lys169del in exon 6 of TRDN: This variant is not expected to have clini cal significance because it has been identified in 9% (49/536) of East Asian chr omosomes by the Exome Aggregation Consortium (ExAC, rg; dbSNP rs148596612).

PreventionGenetics, part of Exact Sciences
Classification: Benign for TRDN-related condition. Last evaluated: 2019-04-09. Review status: no assertion criteria provided. Collection method: clinical testing. Allele origin: germline. Not counted in ClinVar's aggregate classification.
Comment: This variant is classified as benign based on ACMG/AMP sequence variant interpretation guidelines (Richards et al. 2015 PMID: 25741868, with internal and published modifications).

Clinical Genetics, Academic Medical Center
Classification: Benign. Review status: no assertion criteria provided. Collection method: clinical testing. Allele origin: germline. Affected: yes. Study: VKGL Data-share Consensus. Not counted in ClinVar's aggregate classification.

Joint Genome Diagnostic Labs from Nijmegen and Maastricht, Radboudumc and MUMC+
Classification: Benign. Review status: no assertion criteria provided. Collection method: clinical testing. Allele origin: germline. Affected: yes. Study: VKGL Data-share Consensus. Not counted in ClinVar's aggregate classification.

Laboratory of Diagnostic Genome Analysis, Leiden University Medical Center (LUMC)
Classification: Likely benign. Review status: no assertion criteria provided. Collection method: clinical testing. Allele origin: germline. Affected: yes. Study: VKGL Data-share Consensus. Not counted in ClinVar's aggregate classification.